The following is an entry in ClinVar:

ClinVar aggregate classification (germline): Likely benign. Review status: criteria provided, multiple submitters, no conflicts (2 of 4 stars). 3 submissions from 3 submitters: Likely benign (3). Last evaluated 2024-10-25.

Allele frequency attached by ClinVar (database versions not stated): ExAC 0.00008; ESP Exome Variant Server 0.00008; gnomAD exomes 0.00008; TOPMed 0.00009; gnomAD 0.00011 and 0.00012.
gnomAD v4.1: 103 of 1,614,110 alleles (0.0064%); highest among the groups gnomAD compares: African/African-American, 0.028%; no homozygotes.

Submissions (3):

Blueprint Genetics
Classification: Likely benign. Last evaluated: 2024-10-25. Review status: criteria provided, single submitter. Criteria: ACMG Guidelines, 2015. Collection method: clinical testing. Allele origin: germline.

Labcorp Genetics (formerly Invitae), Labcorp
Classification: Likely benign. Last evaluated: 2024-10-16. Review status: criteria provided, single submitter. Criteria: Invitae Variant Classification Sherloc (09022015). Collection method: clinical testing. Allele origin: germline.

CeGaT Center for Human Genetics Tuebingen
Classification: Likely benign. Last evaluated: 2023-01-01. Review status: criteria provided, single submitter. Criteria: CeGaT Center For Human Genetics Tuebingen Variant Classification Criteria Version 2. Collection method: clinical testing. Allele origin: germline. Affected: yes. Observed: 2 variant alleles.
Comment: ARPC1B: BP4, BP7

NM_005720.4(ARPC1B):c.477C>T (p.Ala159=)

Gene: ARPC1B (actin related protein 2/3 complex subunit 1B; plus strand). Cytogenetic location: 7q22.1.
Variant type: single nucleotide variant.
Coding change: c.477C>T on transcript NM_005720.4 (MANE Select); coding-DNA position 477, C replaced by T.
Protein change: p.Ala159=; no amino-acid change (alanine 159 retained).
Molecular consequence: synonymous variant.
Genome position (GRCh38, 1-based): chr7:99,389,989, C>T. VCF-style: chr7-99389989-C-T. GRCh37 (hg19) VCF-style: chr7-98987612-C-T.
Identifiers: ClinVar variation 1635397 (VCV001635397.32), dbSNP rs200945199, ClinGen allele CA4364019.
Genomic context (GRCh38, chr7:99,389,989, plus strand): 5'-GCCCATCCGCTCCACCGTCCTCAGCCTGGACTGGCACCCCAACAATGTGCTGCTGGCTGC[C>T]GGCTCCTGTGACTTCAAGTGTCGGTGAGACAGGGCGCCATGGGGGAGGGCGGGGCTGACG-3'
Protein context (NP_005711.1, residues 149-169): DWHPNNVLLA[Ala159=]GSCDFKCRIF